The following is an entry in ClinVar:

NM_001042681.2(RERE):c.2557G>A (p.Gly853Ser)

Gene: RERE (arginine-glutamic acid dipeptide repeats; minus strand). Cytogenetic location: 1p36.23.
Variant type: single nucleotide variant.
Coding change: c.2557G>A on transcript NM_001042681.2 (MANE Select); coding-DNA position 2557, G replaced by A.
Protein change: p.Gly853Ser; replaces glycine 853 with serine.
Molecular consequence: missense variant.
Genome position (GRCh38, 1-based): chr1:8,360,950, C>T on the plus strand (G>A on the coding strand, the complement: RERE is on the minus strand). VCF-style: chr1-8360950-C-T. GRCh37 (hg19) VCF-style: chr1-8421010-C-T.
Other names: c.895G>A, p.Gly299Ser (NM_001042682.2); c.2557G>A, p.Gly853Ser (NM_012102.4); short protein forms G299S, G853S.
Identifiers: ClinVar variation 1696298 (VCV001696298.1), dbSNP rs1297285666, ClinGen allele CA338172377.

ClinVar aggregate classification (germline): Uncertain significance. Review status: criteria provided, multiple submitters, no conflicts (2 of 4 stars). 2 submissions from 2 submitters: Uncertain significance (2). Last evaluated 2022-05-12.

Conditions:
Neurodevelopmental disorder with or without anomalies of the brain, eye, or heart (NEDBEH). Identifiers: Orphanet 494344, MedGen C5567477, MONDO:0014857, OMIM 616975.

Allele frequency attached by ClinVar (database versions not stated): gnomAD exomes 0.00001 and 0.00002; TOPMed 0.00001; gnomAD 0.00001.
gnomAD v4.1: 18 of 1,452,144 alleles (0.0012%); highest among the groups gnomAD compares: South Asian, 0.0043%; no homozygotes.

Submissions (2):

Women's Health and Genetics/Laboratory Corporation of America, LabCorp
Classification: Uncertain significance. Last evaluated: 2022-05-12. Review status: criteria provided, single submitter. Criteria: LabCorp Variant Classification Summary - May 2015. Collection method: clinical testing. Allele origin: germline.
Comment: Variant summary: RERE c.2557G>A (p.Gly853Ser) results in a non-conservative amino acid change in the encoded protein sequence. Four of five in-silico tools predict a benign effect of the variant on protein function. The variant allele was found at a frequency of 1.7e-05 in 59262 control chromosomes (gnomAD). The available data on variant occurrences in the general population are insufficient to allow any conclusion about variant significance. To our knowledge, no occurrence of c.2557G>A in individuals affected with Neurodevelopmental Disorder With Or Without Anomalies Of The Brain, Eye, Or Heart and no experimental evidence demonstrating its impact on protein function have been reported. No clinical diagnostic laboratories have submitted clinical-significance assessments for this variant to ClinVar after 2014. Based on the evidence outlined above, the variant was classified as uncertain significance.

New York Genome Center
Classification: Uncertain significance for Neurodevelopmental disorder with or without anomalies of the brain, eye, or heart. Last evaluated: 2021-07-01. Review status: criteria provided, single submitter. Criteria: NYGC Assertion Criteria 2020. Collection method: clinical testing. Allele origin: inherited. Observed: 1 heterozygote. Study: CSER-NYCKidSeq.
Comment: The inherited c.2557G>A, p.Gly853Ser variant identified in the RERE gene has not been reported in the literature in individuals with RERE-related conditions. This variant has one heterozygous allele in gnomAD v3.1.1 suggesting it is not a common benign variant in the populations represented in this database. In silico algorithms predict a conflicting interpretation of pathogenicity. Given the lack of compelling evidence for its pathogenicity, the c.2557G>A, p.Gly853Ser variant identified in the RERE gene is reported as a Variant of Uncertain Significance.